The following is an entry in ClinVar:

ClinVar aggregate classification (germline): Pathogenic (1 of 4 stars; one submission).

Submission:

Labcorp Genetics (formerly Invitae), Labcorp
Classification: Pathogenic. Last evaluated: 2023-05-27. Review status: criteria provided, single submitter. Criteria: Invitae Variant Classification Sherloc (09022015). Collection method: clinical testing. Allele origin: germline.
Comment: For these reasons, this variant has been classified as Pathogenic. This variant has not been reported in the literature in individuals affected with RASGRP1-related conditions. This variant is not present in population databases (gnomAD no frequency). This sequence change creates a premature translational stop signal (p.Val316Cysfs*4) in the RASGRP1 gene. It is expected to result in an absent or disrupted protein product. Loss-of-function variants in RASGRP1 are known to be pathogenic (PMID: 11017103, 27776107, 28822832).

Literature cited by the submitters: PubMed 11017103; PubMed 27776107; PubMed 28822832.

NM_005739.4(RASGRP1):c.945dup (p.Val316fs)

Gene: RASGRP1 (RAS guanyl releasing protein 1; minus strand). Cytogenetic location: 15q14.
Variant type: Duplication.
Coding change: c.945dup on transcript NM_005739.4 (MANE Select); coding-DNA position 945, one base duplicated (T; older notation c.945dupT).
Protein change: p.Val316fs; shifts the reading frame from valine 316.
Molecular consequence: frameshift variant.
Genome position (GRCh38, 1-based): chr15:38,511,625, A duplicated on the plus strand (T on the coding strand, the reverse complement: RASGRP1 is on the minus strand). VCF-style (leftmost placement, unchanged base first): chr15-38511624-C-CA. GRCh37 (hg19) VCF-style: chr15-38803825-C-CA.
Other names: c.945dup, p.Val316fs (NM_001128602.2, NM_001306086.2); short protein forms V316fs.
Identifiers: ClinVar variation 2741616 (VCV002741616.3), dbSNP rs2542897406, ClinGen allele CA2697554320.